The following is an entry in ClinVar:

NM_001282531.3(ADNP):c.*1471C>T

Gene: ADNP (activity dependent neuroprotector homeobox; minus strand). Cytogenetic location: 20q13.13.
Variant type: single nucleotide variant.
Coding change: c.*1471C>T on transcript NM_001282531.3 (MANE Select); 1471 bases downstream of the stop codon, C replaced by T.
Molecular consequence: 3 prime UTR variant.
Genome position (GRCh38, 1-based): chr20:50,889,934, G>A on the plus strand (C>T on the coding strand, the complement: ADNP is on the minus strand). VCF-style: chr20-50889934-G-A. GRCh37 (hg19) VCF-style: chr20-49506471-G-A.
Other names: c.*1471C>T (NM_001282532.2, NM_001347511.2, NM_015339.5 and 1 more transcripts).
Identifiers: ClinVar variation 3234565 (VCV003234565.20), dbSNP rs997849120, ClinGen allele CA315254743.
Genomic context (GRCh38, chr20:50,889,934, plus strand): 5'-AGGGCCAAGAGTGGCAAATAGAGGCAGAGCCGCCTGCACTACAGTTGTTCCCATCGTAAG[G>A]TGAAAACGAACGTTTAACTTCATCTAGAAGAAAAAACAAACAAAAAACCCATCAGGCTAT-3'

ClinVar aggregate classification (germline): Likely benign (1 of 4 stars; one submission).

Allele frequency attached by ClinVar (database versions not stated): gnomAD exomes below 0.00001.
gnomAD v4.1: 1 of 395,928 alleles (0.00025%); highest among the groups gnomAD compares: Non-Finnish European, 0.00044%; no homozygotes.

Submission:

CeGaT Center for Human Genetics Tuebingen
Classification: Likely benign. Last evaluated: 2024-04-01. Review status: criteria provided, single submitter. Criteria: CeGaT Center For Human Genetics Tuebingen Variant Classification Criteria Version 2. Collection method: clinical testing. Allele origin: germline. Affected: yes. Observed: 1 variant allele.
Comment: ADNP: PM2:Supporting, BP4, BP7